The following is an entry in ClinVar:

NM_000051.4(ATM):c.1180G>C (p.Glu394Gln)

Gene: ATM (ATM serine/threonine kinase; plus strand). Cytogenetic location: 11q22.3.
Variant type: single nucleotide variant.
Coding change: c.1180G>C on transcript NM_000051.4 (MANE Select); coding-DNA position 1180, G replaced by C.
Protein change: p.Glu394Gln; replaces glutamic acid 394 with glutamine.
Molecular consequence: missense variant.
Genome position (GRCh38, 1-based): chr11:108,249,047, G>C. VCF-style: chr11-108249047-G-C. GRCh37 (hg19) VCF-style: chr11-108119774-G-C.
Other names: c.1180G>C, p.Glu394Gln (NM_001351834.2); short protein forms E394Q.
Identifiers: ClinVar variation 3450888 (VCV003450888.1).
Genomic context (GRCh38, chr11:108,249,047, plus strand): 5'-CAAAGAGAATCTAGTGATTACAGTGTCCCTTGCAAAAGGAAGAAAATAGAACTAGGCTGG[G>C]AAGTAATAAAAGATCACCTTCAGAAGTCACAGAATGATTTTGATCTTGTGCCTTGGTAAA-3'
Protein context (NP_000042.3, residues 384-404): CKRKKIELGW[Glu394Gln]VIKDHLQKSQ

ClinVar aggregate classification (germline): Uncertain significance (1 of 4 stars; one submission).

Conditions:
Hereditary cancer-predisposing syndrome. Also called: Tumor predisposition; Neoplastic Syndromes, Hereditary; Hereditary neoplastic syndrome; Hereditary Cancer Syndrome. Identifiers: Orphanet 140162, MedGen C0027672, MeSH D009386, MONDO:0015356.

gnomAD v4.1: 1 of 1,614,046 alleles (0.000062%); highest among the groups gnomAD compares: Admixed American, 0.0017%; no homozygotes.

Submission:

Ambry Genetics
Classification: Uncertain significance for Hereditary cancer-predisposing syndrome. Last evaluated: 2024-08-26. Review status: criteria provided, single submitter. Criteria: Ambry Variant Classification Scheme 2023. Collection method: clinical testing. Allele origin: germline.
Comment: The p.E394Q variant (also known as c.1180G>C), located in coding exon 8 of the ATM gene, results from a G to C substitution at nucleotide position 1180. The glutamic acid at codon 394 is replaced by glutamine, an amino acid with highly similar properties. This amino acid position is conserved. In addition, this alteration is predicted to be tolerated by in silico analysis. Based on the available evidence, the clinical significance of this variant remains unclear.